The following is an entry in ClinVar:

ClinVar aggregate classification (germline): Uncertain significance (1 of 4 stars; one submission).

Conditions:
Combined immunodeficiency due to LRBA deficiency. Also called: Common variable immunodeficiency 8, with autoimmunity. Identifiers: Orphanet 445018, MedGen C3553512, MONDO:0013863, OMIM 614700.

Submission:

Labcorp Genetics (formerly Invitae), Labcorp
Classification: Uncertain significance for Combined immunodeficiency due to LRBA deficiency. Last evaluated: 2022-07-19. Review status: criteria provided, single submitter. Criteria: Invitae Variant Classification Sherloc (09022015). Collection method: clinical testing. Allele origin: germline.
Comment: In summary, the available evidence is currently insufficient to determine the role of this variant in disease. Therefore, it has been classified as a Variant of Uncertain Significance. Algorithms developed to predict the effect of sequence changes on RNA splicing suggest that this variant may create or strengthen a splice site. Algorithms developed to predict the effect of missense changes on protein structure and function are either unavailable or do not agree on the potential impact of this missense change (SIFT: "Tolerated"; PolyPhen-2: "Probably Damaging"; Align-GVGD: "Class C0"). ClinVar contains an entry for this variant (Variation ID: 1390592). This variant has not been reported in the literature in individuals affected with LRBA-related conditions. This variant is not present in population databases (gnomAD no frequency). This sequence change replaces lysine, which is basic and polar, with glutamic acid, which is acidic and polar, at codon 1731 of the LRBA protein (p.Lys1731Glu).

NM_001364905.1(LRBA):c.5191A>G (p.Lys1731Glu)

Gene: LRBA (LPS responsive beige-like anchor protein; minus strand). Cytogenetic location: 4q31.3.
Variant type: single nucleotide variant.
Coding change: c.5191A>G on transcript NM_001364905.1 (MANE Select); coding-DNA position 5191, A replaced by G.
Protein change: p.Lys1731Glu; replaces lysine 1731 with glutamic acid.
Molecular consequence: missense variant.
Genome position (GRCh38, 1-based): chr4:150,817,238, T>C on the plus strand (A>G on the coding strand, the complement: LRBA is on the minus strand). VCF-style: chr4-150817238-T-C. GRCh37 (hg19) VCF-style: chr4-151738390-T-C.
Other names: c.5191A>G, p.Lys1731Glu (NM_001199282.3, NM_001367550.1, NM_006726.5); short protein forms K1731E.
Identifiers: ClinVar variation 1390592 (VCV001390592.6), dbSNP rs2126766658, ClinGen allele CA358610516.
Genomic context (GRCh38, chr4:150,817,238, plus strand): 5'-CACTGACAGCATTGGTAGGTATGCTTGTATTAAAGGTGGAAGGTGAGACTGCTGACTTTT[T>C]TGCTGCAACAATGACACTTCTGTAATAAAGAAAGTAAACAGACTGAAAGATACAAATTGA-3'
Protein context (NP_001351834.1, residues 1721-1741): SFDRSVIVAA[Lys1731Glu]KSAVSPSTFN